The following is an entry in ClinVar:

ClinVar aggregate classification (germline): Pathogenic (1 of 4 stars; one submission).

Conditions:
PMM2-congenital disorder of glycosylation. Also called: JAEKEN SYNDROME; CDG Ia; PMM2-CDG; Congenital disorder of glycosylation, type Ia; PHOSPHOMANNOMUTASE 2 DEFICIENCY; CARBOHYDRATE-DEFICIENT GLYCOPROTEIN SYNDROME, TYPE Ia. Identifiers: Orphanet 79318, MedGen C0349653, MONDO:0008907, OMIM 212065.

Submission:

Labcorp Genetics (formerly Invitae), Labcorp
Classification: Pathogenic for PMM2-congenital disorder of glycosylation. Last evaluated: 2022-02-24. Review status: criteria provided, single submitter. Criteria: Invitae Variant Classification Sherloc (09022015). Collection method: clinical testing. Allele origin: germline.
Comment: This variant has not been reported in the literature in individuals affected with PMM2-related conditions. For these reasons, this variant has been classified as Pathogenic. This variant is not present in population databases (gnomAD no frequency). This sequence change creates a premature translational stop signal (p.Tyr66Cysfs*18) in the PMM2 gene. It is expected to result in an absent or disrupted protein product. Loss-of-function variants in PMM2 are known to be pathogenic (PMID: 19862844).

Literature cited by the submitters: PubMed 19862844.

NM_000303.3(PMM2):c.197_198del (p.Tyr66fs)

Gene: PMM2 (phosphomannomutase 2; plus strand). Cytogenetic location: 16p13.2.
Variant type: Deletion.
Coding change: c.197_198del on transcript NM_000303.3 (MANE Select); coding-DNA positions 197 to 198, 2 bases deleted (AT; older notation c.197_198delAT).
Protein change: p.Tyr66fs; shifts the reading frame from tyrosine 66.
Molecular consequence: frameshift variant.
Genome position (GRCh38, 1-based): chr16:8,804,785-8,804,786, AT deleted; deleting any 2 consecutive bases within chr16:8,804,784-8,804,786 gives the same sequence; the c. name uses the placement nearest the transcript's 3' end. VCF-style (leftmost placement, unchanged base first): chr16-8804783-TTA-T. GRCh37 (hg19) VCF-style: chr16-8898640-TTA-T.
Other names: short protein forms Y66fs.
Identifiers: ClinVar variation 2099388 (VCV002099388.4), dbSNP rs2549144460, ClinGen allele CA2580092092.